The following is an entry in ClinVar:

NM_019040.5(ELP4):c.548A>G (p.Tyr183Cys)

Gene: ELP4 (elongator acetyltransferase complex subunit 4; plus strand). Cytogenetic location: 11p13.
Variant type: single nucleotide variant.
Coding change: c.548A>G on transcript NM_019040.5 (MANE Select); coding-DNA position 548, A replaced by G.
Protein change: p.Tyr183Cys; replaces tyrosine 183 with cysteine.
Molecular consequence: missense variant.
Genome position (GRCh38, 1-based): chr11:31,603,802, A>G. VCF-style: chr11-31603802-A-G. GRCh37 (hg19) VCF-style: chr11-31625349-A-G.
Other names: c.551A>G, p.Tyr184Cys (NM_001288725.2); c.548A>G, p.Tyr183Cys (NM_001288726.2); short protein forms Y183C, Y184C.
Identifiers: ClinVar variation 2715618 (VCV002715618.3), dbSNP rs771600237, ClinGen allele CA5933297.

ClinVar aggregate classification (germline): Uncertain significance (1 of 4 stars; one submission).

Allele frequency attached by ClinVar (database versions not stated): ExAC 0.00001; gnomAD 0.00001; gnomAD exomes 0.00001; TOPMed 0.00002.
gnomAD v4.1: 17 of 1,611,042 alleles (0.0011%); highest among the groups gnomAD compares: South Asian, 0.0011%; no homozygotes.

Submission:

Labcorp Genetics (formerly Invitae), Labcorp
Classification: Uncertain significance. Last evaluated: 2023-04-10. Review status: criteria provided, single submitter. Criteria: Invitae Variant Classification Sherloc (09022015). Collection method: clinical testing. Allele origin: germline.
Comment: In summary, the available evidence is currently insufficient to determine the role of this variant in disease. Therefore, it has been classified as a Variant of Uncertain Significance. An algorithm developed to predict the effect of missense changes on protein structure and function (PolyPhen-2) suggests that this variant is likely to be tolerated. This variant has not been reported in the literature in individuals affected with ELP4-related conditions. This variant is present in population databases (rs771600237, gnomAD 0.0009%). This sequence change replaces tyrosine, which is neutral and polar, with cysteine, which is neutral and slightly polar, at codon 183 of the ELP4 protein (p.Tyr183Cys).